The following is an entry in ClinVar:

NM_031229.4(RBCK1):c.176_177dup (p.Ser60Ter)

Gene: RBCK1 (RANBP2-type and C3HC4-type zinc finger containing 1; plus strand). Cytogenetic location: 20p13.
Variant type: Duplication.
Coding change: c.176_177dup on transcript NM_031229.4 (MANE Select); coding-DNA positions 176 to 177, 2 bases duplicated (TG; older notation c.176_177dupTG).
Protein change: p.Ser60Ter; replaces serine 60 with a stop codon.
Molecular consequence: nonsense. On other transcripts: 5 prime UTR variant (2), non-coding transcript variant (1).
Genome position (GRCh38, 1-based): chr20:417,534-417,535, TG duplicated; duplicating any 2 consecutive bases within chr20:417,533-417,535 gives the same sequence; the c. name uses the placement nearest the transcript's 3' end. VCF-style (leftmost placement, unchanged base first): chr20-417532-G-GGT. GRCh37 (hg19) VCF-style: chr20-398176-G-GGT.
Other names: c.-174_-173dup (NM_001323956.2, NM_001323958.2); c.227_228dup, p.Ser77Ter (NM_001410770.1); c.50_51dup, p.Ser18Ter (NM_006462.6); short protein forms S77*, S18*, S60*.
Identifiers: ClinVar variation 4725106 (VCV004725106.1).

ClinVar aggregate classification (germline): Pathogenic (1 of 4 stars; one submission).

Conditions:
Polyglucosan body myopathy type 1 (PGBM1). Also called: POLYGLUCOSAN BODY MYOPATHY WITHOUT IMMUNODEFICIENCY; Polyglucosan body myopathy 1 with or without immunodeficiency. Identifiers: Orphanet 329173, Orphanet 397937, MedGen C4014605, MONDO:0014389, OMIM 615895.

Submission:

Labcorp Genetics (formerly Invitae), Labcorp
Classification: Pathogenic for Polyglucosan body myopathy type 1. Last evaluated: 2025-09-03. Review status: criteria provided, single submitter. Criteria: Invitae Variant Classification Sherloc (09022015). Collection method: clinical testing. Allele origin: germline.
Comment: This sequence change creates a premature translational stop signal (p.Ser60*) in the RBCK1 gene. It is expected to result in an absent or disrupted protein product. Loss-of-function variants in RBCK1 are known to be pathogenic (PMID: 2379848, 23104095, 23889995). This variant is not present in population databases (gnomAD no frequency). This variant has not been reported in the literature in individuals affected with RBCK1-related conditions. For these reasons, this variant has been classified as Pathogenic.

Literature cited by the submitters: PubMed 2379848; PubMed 23104095; PubMed 23889995.